The following is an entry in ClinVar:

ClinVar aggregate classification (germline): Benign/Likely benign. Review status: criteria provided, multiple submitters, no conflicts (2 of 4 stars). 4 submissions from 4 submitters: Benign (1); Likely benign (2). 1 of the submissions does not count toward it. Last evaluated 2026-01-05.

Conditions:
Hearing loss, autosomal dominant 78. Also called: DEAFNESS, AUTOSOMAL DOMINANT 78. Identifiers: MedGen C5436768, MONDO:0033665, OMIM 619081.
Delpire-McNeill syndrome. Also called: SLC12A2-related autosomal dominant infantile-developmental delay-intellectual disability-sensorineural deafness syndrome. Identifiers: Orphanet 633024, MedGen C5436771, MONDO:0033667, OMIM 619083.
Kilquist syndrome (KILQS). Also called: SLC12A2-related autosomal recessive neonatal-developmental delay-intellectual disability-feeding difficulty-sensorineural deafness syndrome. Identifiers: Orphanet 633021, MedGen C5436756, MONDO:0033664, OMIM 619080.
SLC12A2-related disorder. Also called: SLC12A2-related condition; SLC12A2-related disorders.

Allele frequency attached by ClinVar (database versions not stated): gnomAD exomes 0.00011 and 0.00029; ExAC 0.00034; ESP Exome Variant Server 0.00085; gnomAD 0.00096 and 0.00098; 1000 Genomes Project 30x 0.00109; TOPMed 0.00109; 1000 Genomes Project 0.00120.
gnomAD v4.1: 331 of 1,607,870 alleles (0.021%); highest among the groups gnomAD compares: African/African-American, 0.32%; 1 homozygote.

Submissions (4):

Labcorp Genetics (formerly Invitae), Labcorp
Classification: Benign. Last evaluated: 2026-01-05. Review status: criteria provided, single submitter. Criteria: Invitae Variant Classification Sherloc (09022015). Collection method: clinical testing. Allele origin: germline.

CeGaT Center for Human Genetics Tuebingen
Classification: Likely benign. Last evaluated: 2025-09-01. Review status: criteria provided, single submitter. Criteria: CeGaT Center For Human Genetics Tuebingen Variant Classification Criteria Version 2. Collection method: clinical testing. Allele origin: germline. Affected: yes. Observed: 1 variant allele.
Comment: SLC12A2: BP4, BP7

Fulgent Genetics
Classification: Likely benign for Kilquist syndrome; Hearing loss, autosomal dominant 78; Delpire-McNeill syndrome. Last evaluated: 2021-09-17. Review status: criteria provided, single submitter. Criteria: ACMG Guidelines, 2015. Collection method: clinical testing. Allele origin: unknown.

PreventionGenetics, part of Exact Sciences
Classification: Likely benign for SLC12A2-related condition. Last evaluated: 2022-04-15. Review status: no assertion criteria provided. Collection method: clinical testing. Allele origin: germline. Not counted in ClinVar's aggregate classification.
Comment: This variant is classified as likely benign based on ACMG/AMP sequence variant interpretation guidelines (Richards et al. 2015 PMID: 25741868, with internal and published modifications).

NM_001046.3(SLC12A2):c.3468A>G (p.Leu1156=)

Gene: SLC12A2 (solute carrier family 12 member 2; plus strand). Cytogenetic location: 5q23.3.
Variant type: single nucleotide variant.
Coding change: c.3468A>G on transcript NM_001046.3 (MANE Select); coding-DNA position 3468, A replaced by G.
Protein change: p.Leu1156=; no amino-acid change (leucine 1156 retained).
Molecular consequence: synonymous variant. On other transcripts: non-coding transcript variant (1).
Genome position (GRCh38, 1-based): chr5:128,184,821, A>G. VCF-style: chr5-128184821-A-G. GRCh37 (hg19) VCF-style: chr5-127520513-A-G.
Other names: c.3468A>G (NM_001046.2); c.3420A>G, p.Leu1140= (NM_001256461.2).
Identifiers: ClinVar variation 1596561 (VCV001596561.17), dbSNP rs115092488, ClinGen allele CA3393693.